The following is an entry in ClinVar:

ClinVar aggregate classification (germline): Uncertain significance. Review status: criteria provided, multiple submitters, no conflicts (2 of 4 stars). 3 submissions from 3 submitters: Uncertain significance (3). Last evaluated 2025-12-02.

Conditions:
Cardiovascular phenotype. Identifiers: MedGen CN230736.
SOS1-related disorder. Also called: SOS1-related condition.
RASopathy. Also called: rasopathies; Noonan spectrum disorder. Identifiers: Orphanet 536391, MedGen C5555857, MONDO:0021060.

Allele frequency attached by ClinVar (database versions not stated): TOPMed 0.00001.

Submissions (3):

Ambry Genetics
Classification: Uncertain significance for Cardiovascular phenotype. Last evaluated: 2025-12-02. Review status: criteria provided, single submitter. Criteria: Ambry Variant Classification Scheme 2023. Collection method: clinical testing. Allele origin: germline.
Comment: The p.V1104E variant (also known as c.3311T>A), located in coding exon 20 of the SOS1 gene, results from a T to A substitution at nucleotide position 3311. The valine at codon 1104 is replaced by glutamic acid, an amino acid with dissimilar properties. This amino acid position is conserved. In addition, the in silico prediction for this alteration is inconclusive. Based on the available evidence, the clinical significance of this variant remains unclear.

Labcorp Genetics (formerly Invitae), Labcorp
Classification: Uncertain significance for RASopathy. Last evaluated: 2025-11-26. Review status: criteria provided, single submitter. Criteria: Invitae Variant Classification Sherloc (09022015). Collection method: clinical testing. Allele origin: germline.
Comment: This sequence change replaces valine, which is neutral and non-polar, with glutamic acid, which is acidic and polar, at codon 1104 of the SOS1 protein (p.Val1104Glu). This variant is not present in population databases (gnomAD no frequency). This variant has not been reported in the literature in individuals affected with SOS1-related conditions. ClinVar contains an entry for this variant (Variation ID: 1987076). Invitae Evidence Modeling of protein sequence and biophysical properties (such as structural, functional, and spatial information, amino acid conservation, physicochemical variation, residue mobility, and thermodynamic stability) indicates that this missense variant is not expected to disrupt SOS1 protein function with a negative predictive value of 95%. In summary, the available evidence is currently insufficient to determine the role of this variant in disease. Therefore, it has been classified as a Variant of Uncertain Significance.

PreventionGenetics, part of Exact Sciences
Classification: Uncertain significance for SOS1-related condition. Last evaluated: 2025-09-15. Review status: criteria provided, single submitter. Criteria: ACMG Guidelines, 2015. Collection method: clinical testing. Allele origin: germline.
Comment: The SOS1 c.3311T>A variant is predicted to result in the amino acid substitution p.Val1104Glu. To our knowledge, this variant has not been reported in the literature or in a large population database (gnomAD), indicating this variant is rare. At this time, the clinical significance of this variant is uncertain due to the absence of conclusive functional and genetic evidence.

NM_005633.4(SOS1):c.3311T>A (p.Val1104Glu)

Gene: SOS1 (SOS Ras/Rac guanine nucleotide exchange factor 1; minus strand). Cytogenetic location: 2p22.1.
Variant type: single nucleotide variant.
Coding change: c.3311T>A on transcript NM_005633.4 (MANE Select); coding-DNA position 3311, T replaced by A.
Protein change: p.Val1104Glu; replaces valine 1104 with glutamic acid.
Molecular consequence: missense variant.
Genome position (GRCh38, 1-based): chr2:38,995,158, A>T on the plus strand (T>A on the coding strand, the complement: SOS1 is on the minus strand). VCF-style: chr2-38995158-A-T. GRCh37 (hg19) VCF-style: chr2-39222299-A-T.
Other names: c.3290T>A, p.Val1097Glu (NM_001382394.1); c.3311T>A, p.Val1104Glu (NM_001382395.1); short protein forms V1097E, V1104E.
Identifiers: ClinVar variation 1987076 (VCV001987076.6), dbSNP rs1668850136, ClinGen allele CA346360359.